The following is an entry in ClinVar:

ClinVar aggregate classification (germline): Uncertain significance (1 of 4 stars; one submission).

Conditions:
Mucopolysaccharidosis, MPS-III-D (MPS3D). Also called: MUCOPOLYSACCHARIDOSIS, TYPE IIID; N-ACETYLGLUCOSAMINE-6-SULFATASE DEFICIENCY; SANFILIPPO SYNDROME D; MPS III D; Mucopoly-saccharidosis type 3D; N-acetylglucosamine-6-sulfate sulfatase deficiency. Identifiers: Orphanet 581, Orphanet 79272, MedGen C0086650, MONDO:0009658, OMIM 252940.

Submission:

Labcorp Genetics (formerly Invitae), Labcorp
Classification: Uncertain significance for Mucopolysaccharidosis, MPS-III-D. Last evaluated: 2023-01-06. Review status: criteria provided, single submitter. Criteria: Invitae Variant Classification Sherloc (09022015). Collection method: clinical testing. Allele origin: germline.
Comment: This sequence change replaces phenylalanine, which is neutral and non-polar, with serine, which is neutral and polar, at codon 524 of the GNS protein (p.Phe524Ser). This variant is not present in population databases (gnomAD no frequency). This variant has not been reported in the literature in individuals affected with GNS-related conditions. ClinVar contains an entry for this variant (Variation ID: 1714345). Algorithms developed to predict the effect of missense changes on protein structure and function are either unavailable or do not agree on the potential impact of this missense change (SIFT: "Deleterious"; PolyPhen-2: "Benign"; Align-GVGD: "Class C0"). In summary, the available evidence is currently insufficient to determine the role of this variant in disease. Therefore, it has been classified as a Variant of Uncertain Significance.

NM_002076.4(GNS):c.1571T>C (p.Phe524Ser)

Gene: GNS (glucosamine (N-acetyl)-6-sulfatase; minus strand). Cytogenetic location: 12q14.3.
Variant type: single nucleotide variant.
Coding change: c.1571T>C on transcript NM_002076.4 (MANE Select); coding-DNA position 1571, T replaced by C.
Protein change: p.Phe524Ser; replaces phenylalanine 524 with serine.
Molecular consequence: missense variant.
Genome position (GRCh38, 1-based): chr12:64,720,031, A>G on the plus strand (T>C on the coding strand, the complement: GNS is on the minus strand). VCF-style: chr12-64720031-A-G. GRCh37 (hg19) VCF-style: chr12-65113811-A-G.
Other names: short protein forms F524S.
Identifiers: ClinVar variation 1714345 (VCV001714345.5), dbSNP rs2539502167, ClinGen allele CA385600455.
Genomic context (GRCh38, chr12:64,720,031, plus strand): 5'-ATGTCTACTAGAAAAAACTTGGCCAAGTAAATGAAGAGAAAGGAAACTTACCCGGGGTCA[A>G]AAACCCCTGGAGTGCGACAGGTTGGCCCAGAACAGGACTGTAACATCATTAACCGATAGT-3'
Protein context (NP_002067.1, residues 514-534): SGPTCRTPGV[Phe524Ser]DPGYRFDPRL